The following is an entry in ClinVar:

ClinVar aggregate classification (germline): Conflicting classifications of pathogenicity. Review status: criteria provided, conflicting classifications (1 of 4 stars). 12 submissions from 12 submitters: Uncertain significance (3); Benign (1); Likely benign (6). 2 of the submissions do not count toward it. Last evaluated 2026-08-11.

Conditions:
CBS-related disorder. Also called: CBS-related condition.
Familial thoracic aortic aneurysm and aortic dissection (TAAD). Also called: Thoracic aortic aneurysms and dissections. Identifiers: Orphanet 91387, MedGen C4707243, MONDO:0019625.
Classic homocystinuria. Also called: HOMOCYSTINURIA WITH OR WITHOUT RESPONSE TO PYRIDOXINE; Homocystinuria due to Cystathionine Beta-Synthase Deficiency; Homocystinuria due to CBS deficiency; Cystathionine beta-synthase deficiency; CBS deficiency. Identifiers: Orphanet 394, MedGen C0751202, MONDO:0009352, OMIM 236200.
HYPERHOMOCYSTEINEMIA, THROMBOTIC, CBS-RELATED. Identifiers: MedGen C3150344, OMIM 236200.

Allele frequency attached by ClinVar (database versions not stated): 1000 Genomes Project 0.00020; ExAC 0.00023; ESP Exome Variant Server 0.00023; gnomAD 0.00029; gnomAD exomes 0.00034 and 0.00037; TOPMed 0.00034.

Submissions (13):

PreventionGenetics, part of Exact Sciences
Classification: Likely benign for CBS-related condition. Last evaluated: 2026-08-11. Review status: criteria provided, single submitter. Criteria: ACMG Guidelines, 2015. Collection method: clinical testing. Allele origin: germline.
Comment: This variant is classified as likely benign based on ACMG/AMP sequence variant interpretation guidelines (Richards et al. 2015 PMID: 25741868, with internal and published modifications).

CeGaT Center for Human Genetics Tuebingen
Classification: Likely benign. Last evaluated: 2026-03-01. Review status: criteria provided, single submitter. Criteria: CeGaT Center For Human Genetics Tuebingen Variant Classification Criteria Version 2. Collection method: clinical testing. Allele origin: germline. Affected: yes. Observed: 3 variant alleles.
Comment: CBS: BP4, BP7

Labcorp Genetics (formerly Invitae), Labcorp
Classification: Likely benign for HYPERHOMOCYSTEINEMIA, THROMBOTIC, CBS-RELATED. Last evaluated: 2026-02-02. Review status: criteria provided, single submitter. Criteria: Invitae Variant Classification Sherloc (09022015). Collection method: clinical testing. Allele origin: germline.

Women's Health and Genetics/Laboratory Corporation of America, LabCorp
Classification: Uncertain significance. Last evaluated: 2025-11-18. Review status: criteria provided, single submitter. Criteria: LabCorp Variant Classification Summary - May 2015. Collection method: clinical testing. Allele origin: germline.
Comment: Variant summary: CBS c.1479G>A results in a synonymous change. Several computational tools predict a significant impact on normal splicing: Four predict the variant creates a 3' acceptor site. However, these predictions have yet to be confirmed by functional studies. The variant allele was found at a frequency of 0.00037 in 160528 control chromosomes. This frequency is not significantly higher than estimated for disease-causing variants in CBS, allowing no conclusion about variant significance. To our knowledge, no occurrence of c.1479G>A in individuals affected with CBS-related conditions and no experimental evidence demonstrating its impact on protein function have been reported. ClinVar contains an entry for this variant (Variation ID: 212834). Based on the evidence outlined above, the variant was classified as uncertain significance.

ARUP Laboratories, Molecular Genetics and Genomics, ARUP Laboratories
Classification: Likely benign. Last evaluated: 2024-12-12. Review status: criteria provided, single submitter. Criteria: ARUP Molecular Germline Variant Investigation Process 2024. Collection method: clinical testing. Allele origin: germline.

Blueprint Genetics
Classification: Likely benign. Last evaluated: 2024-07-25. Review status: criteria provided, single submitter. Criteria: ACMG Guidelines, 2015. Collection method: clinical testing. Allele origin: germline.

Illumina Laboratory Services, Illumina
Classification: Uncertain significance for Classic homocystinuria. Last evaluated: 2018-01-13. Review status: criteria provided, single submitter. Criteria: ICSL Variant Classification Criteria 13 December 2019. Collection method: clinical testing. Allele origin: germline.

Ambry Genetics
Classification: Likely benign for Familial thoracic aortic aneurysm and aortic dissection. Last evaluated: 2016-09-19. Review status: criteria provided, single submitter. Criteria: Ambry Variant Classification Scheme 2023. Collection method: clinical testing. Allele origin: germline.

GeneDx
Classification: Benign. Last evaluated: 2014-08-18. Review status: criteria provided, single submitter. Criteria: GeneDx Variant Classification (06012015). Collection method: clinical testing. Allele origin: germline. Affected: yes.
Comment: This variant is considered likely benign or benign based on one or more of the following criteria: it is a conservative change, it occurs at a poorly conserved position in the protein, it is predicted to be benign by multiple in silico algorithms, and/or has population frequency not consistent with disease.

Center for Genomics, Ann and Robert H. Lurie Children's Hospital of Chicago
Classification: Uncertain significance for Classic homocystinuria. Review status: criteria provided, single submitter. Criteria: ACMG Guidelines, 2015. Collection method: clinical testing. Allele origin: germline.
Comment: This variant has not been reported in the literature. This variant may be present in the general population, but population data for this variant is unreliable due to the presence of a highly homologous pseudogene. This variant is present in ClinVar, with classifications ranging from likely benign to variant of uncertain significance (Variation ID: 212834). This is a silent variant and does not change the amino acid, reducing the probability that this variant is disease causing. Splice prediction tools suggest that this variant may affect splicing, although further studies are needed to understand its impact. In summary, data on this variant is insufficient for disease classification. Therefore, the clinical significance of this variant is uncertain. However, we cannot rule out the possibility that this variant is present in the pseudogene rather than in the real protein-coding gene.

Clinical Genetics DNA and cytogenetics Diagnostics Lab, Erasmus MC, Erasmus Medical Center
Classification: Likely benign. Review status: no assertion criteria provided. Collection method: clinical testing. Allele origin: germline. Affected: yes. Study: VKGL Data-share Consensus. Not counted in ClinVar's aggregate classification.

Diagnostic Laboratory, Department of Genetics, University Medical Center Groningen
Classification: Likely benign. Review status: no assertion criteria provided. Collection method: clinical testing. Allele origin: germline. Affected: yes. Study: VKGL Data-share Consensus. Not counted in ClinVar's aggregate classification.

Dr. Peter K. Rogan Lab, Western University
No classification provided (evidence only). Condition: Ovarian serous cystadenocarcinoma. Review status: no classification provided. Collection method: in vitro. Allele origin: not applicable. Functional consequence: retained intron. Not counted in ClinVar's aggregate classification.

NM_000071.3(CBS):c.1479G>A (p.Thr493=)

Gene: CBS (cystathionine beta-synthase; minus strand). Cytogenetic location: 21q22.3.
Variant type: single nucleotide variant.
Coding change: c.1479G>A on transcript NM_000071.3 (MANE Select); coding-DNA position 1479, G replaced by A.
Protein change: p.Thr493=; no amino-acid change (threonine 493 retained).
Molecular consequence: synonymous variant.
Genome position (GRCh38, 1-based): chr21:43,056,876, C>T on the plus strand (G>A on the coding strand, the complement: CBS is on the minus strand). VCF-style: chr21-43056876-C-T. GRCh37 (hg19) VCF-style: chr21-44476986-C-T.
Other names: p.T493T:ACG>ACA; c.1479G>A, p.Thr493= (NM_001178008.3, NM_001178009.3, NM_001320298.2); c.1164G>A, p.Thr388= (NM_001321072.1).
Identifiers: ClinVar variation 212834 (VCV000212834.49), dbSNP rs143225442, ClinGen allele CA320891.